The following is an entry in ClinVar:

NM_000051.4(ATM):c.4437-20T>G

Gene: ATM (ATM serine/threonine kinase; plus strand). Cytogenetic location: 11q22.3.
Variant type: single nucleotide variant.
Coding change: c.4437-20T>G on transcript NM_000051.4 (MANE Select); 20 bases into the intron before coding-DNA position 4437, T replaced by G.
Molecular consequence: intron variant.
Genome position (GRCh38, 1-based): chr11:108,292,599, T>G. VCF-style: chr11-108292599-T-G. GRCh37 (hg19) VCF-style: chr11-108163326-T-G.
Other names: c.4437-20T>G (NM_001351834.2).
Identifiers: ClinVar variation 381361 (VCV000381361.11), dbSNP rs558432723, ClinGen allele CA16606183.

ClinVar aggregate classification (germline): Likely benign. Review status: criteria provided, multiple submitters, no conflicts (2 of 4 stars). 4 submissions from 4 submitters: Likely benign (4). Last evaluated 2026-01-11.

Conditions:
Hereditary cancer-predisposing syndrome. Also called: Hereditary neoplastic syndrome; Tumor predisposition; Neoplastic Syndromes, Hereditary; Hereditary Cancer Syndrome. Identifiers: Orphanet 140162, MedGen C0027672, MeSH D009386, MONDO:0015356.
Ataxia-telangiectasia syndrome (AT). Also called: LOUIS-BAR SYNDROME; ATAXIA-TELANGIECTASIA, COMPLEMENTATION GROUP A; ATAXIA-TELANGIECTASIA, FRESNO VARIANT; Ataxia-telangiectasia; Ataxia telangiectasia (A-T); Cerebello-oculocutaneous telangiectasia. Identifiers: Orphanet 100, MedGen C0004135, MONDO:0008840, OMIM 208900.
Familial cancer of breast. Also called: Hereditary breast cancer; BREAST CANCER, FAMILIAL; hereditary breast carcinoma. Identifiers: Orphanet 227535, MedGen C0346153, MONDO:0016419, OMIM 114480. Disease mechanism: loss of function.

Allele frequency attached by ClinVar (database versions not stated): gnomAD exomes 0.00001; TOPMed 0.00001; 1000 Genomes Project 0.00020; 1000 Genomes Project 30x 0.00031; gnomAD 0.00001.
gnomAD v4.1: 13 of 1,613,132 alleles (0.00081%); highest among the groups gnomAD compares: South Asian, 0.0044%; no homozygotes.

Submissions (4):

Labcorp Genetics (formerly Invitae), Labcorp
Classification: Likely benign for Ataxia-telangiectasia syndrome. Last evaluated: 2026-01-11. Review status: criteria provided, single submitter. Criteria: Invitae Variant Classification Sherloc (09022015). Collection method: clinical testing. Allele origin: germline.

KCCC/NGS Laboratory, Kuwait Cancer Control Center
Classification: Likely benign for Familial cancer of breast. Last evaluated: 2023-07-07. Review status: criteria provided, single submitter. Criteria: ACMG Guidelines, 2015. Collection method: clinical testing. Allele origin: germline. Affected: yes.

GeneDx
Classification: Likely benign. Last evaluated: 2017-05-02. Review status: criteria provided, single submitter. Criteria: GeneDx Variant Classification (06012015). Collection method: clinical testing. Allele origin: germline. Affected: yes.
Comment: This variant is considered likely benign or benign based on one or more of the following criteria: it is a conservative change, it occurs at a poorly conserved position in the protein, it is predicted to be benign by multiple in silico algorithms, and/or has population frequency not consistent with disease.

Color Diagnostics, LLC DBA Color Health
Classification: Likely benign for Hereditary cancer-predisposing syndrome. Last evaluated: 2015-11-30. Review status: criteria provided, single submitter. Criteria: ACMG Guidelines, 2015. Collection method: clinical testing. Allele origin: germline.